The following is an entry in ClinVar:

ClinVar aggregate classification (germline): Uncertain significance (1 of 4 stars; one submission).

Conditions:
Multiple acyl-CoA dehydrogenase deficiency (MADD). Also called: Glutaric Acidemia type 2; ETHYLMALONIC-ADIPICACIDURIA; GA II; Glutaric aciduria, type 2; Glutaric acidemia type II; GA 2. Identifiers: Orphanet 26791, MedGen C0268596, MONDO:0009282, OMIM 231680.

Allele frequency attached by ClinVar (database versions not stated): gnomAD exomes below 0.00001.
gnomAD v4.1: 3 of 1,600,998 alleles (0.00019%); highest among the groups gnomAD compares: Non-Finnish European, 0.00026%; no homozygotes.

Submission:

Labcorp Genetics (formerly Invitae), Labcorp
Classification: Uncertain significance for Multiple acyl-CoA dehydrogenase deficiency. Last evaluated: 2022-09-14. Review status: criteria provided, single submitter. Criteria: Invitae Variant Classification Sherloc (09022015). Collection method: clinical testing. Allele origin: germline.
Comment: This variant has not been reported in the literature in individuals affected with ETFDH-related conditions. Variants that disrupt the consensus splice site are a relatively common cause of aberrant splicing (PMID: 17576681, 9536098). Algorithms developed to predict the effect of sequence changes on RNA splicing suggest that this variant is not likely to affect RNA splicing. In summary, the available evidence is currently insufficient to determine the role of this variant in disease. Therefore, it has been classified as a Variant of Uncertain Significance. This variant is not present in population databases (gnomAD no frequency). This sequence change falls in intron 7 of the ETFDH gene. It does not directly change the encoded amino acid sequence of the ETFDH protein. It affects a nucleotide within the consensus splice site.

Literature cited by the submitters: PubMed 17576681; PubMed 9536098.

NM_004453.4(ETFDH):c.831+6C>T

Gene: ETFDH (electron transfer flavoprotein dehydrogenase; plus strand). Cytogenetic location: 4q32.1.
Variant type: single nucleotide variant.
Coding change: c.831+6C>T on transcript NM_004453.4 (MANE Select); 6 bases into the intron after coding-DNA position 831, C replaced by T.
Molecular consequence: intron variant.
Genome position (GRCh38, 1-based): chr4:158,695,649, C>T. VCF-style: chr4-158695649-C-T. GRCh37 (hg19) VCF-style: chr4-159616801-C-T.
Other names: c.690+6C>T (NM_001281737.2); c.648+6C>T (NM_001281738.1).
Identifiers: ClinVar variation 2039830 (VCV002039830.4), dbSNP rs2479111585, ClinGen allele CA2578222774.
Genomic context (GRCh38, chr4:158,695,649, plus strand): 5'-GTTTGATTTGAGAGCAAATTGTGAACCTCAAACCTACGGGATTGGACTGAAGGAGGTATC[C>T]TGGTTTGTTTCTGTAATTTTAATTTTGAAAGATGGAATTTAAATTTATTTGTATTATCAG-3'